The following is an entry in ClinVar:

NM_019032.6(ADAMTSL4):c.2734del (p.Trp912fs)

Gene: ADAMTSL4 (ADAMTS like 4; plus strand). Cytogenetic location: 1q21.2.
Variant type: Deletion.
Coding change: c.2734del on transcript NM_019032.6 (MANE Select); coding-DNA position 2734, one base deleted (T; older notation c.2734delT).
Protein change: p.Trp912fs; shifts the reading frame from tryptophan 912.
Molecular consequence: frameshift variant.
Genome position (GRCh38, 1-based): chr1:150,559,136, T deleted; the last of 2 consecutive T bases (chr1:150,559,135-150,559,136); deleting either gives the same sequence. VCF-style (leftmost placement, unchanged base first): chr1-150559134-CT-C. GRCh37 (hg19) VCF-style: chr1-150531610-CT-C.
Other names: c.2617del, p.Trp873fs (NM_001288607.2); c.2803del, p.Trp935fs (NM_001288608.2); c.2734del, p.Trp912fs (NM_001378596.1); short protein forms W873fs, W912fs, W935fs.
Identifiers: ClinVar variation 2854553 (VCV002854553.3), dbSNP rs1560304529, ClinGen allele CA526260895.

ClinVar aggregate classification (germline): Pathogenic (1 of 4 stars; one submission).

Submission:

Labcorp Genetics (formerly Invitae), Labcorp
Classification: Pathogenic. Last evaluated: 2023-04-10. Review status: criteria provided, single submitter. Criteria: Invitae Variant Classification Sherloc (09022015). Collection method: clinical testing. Allele origin: germline.
Comment: For these reasons, this variant has been classified as Pathogenic. This variant has not been reported in the literature in individuals affected with ADAMTSL4-related conditions. This variant is present in population databases (no rsID available, gnomAD 0.003%). This sequence change creates a premature translational stop signal (p.Trp912Glyfs*36) in the ADAMTSL4 gene. It is expected to result in an absent or disrupted protein product. Loss-of-function variants in ADAMTSL4 are known to be pathogenic (PMID: 20564469, 28642162).

Literature cited by the submitters: PubMed 20564469; PubMed 28642162.